The following is an entry in ClinVar:

ClinVar aggregate classification (germline): Conflicting classifications of pathogenicity. Review status: criteria provided, conflicting classifications (1 of 4 stars). 5 submissions from 5 submitters: Uncertain significance (1); Benign (1); Likely benign (2). 1 of the submissions does not count toward it. Last evaluated 2026-01-05.

Conditions:
SLC1A2-related disorder. Also called: SLC1A2-related condition.

Allele frequency attached by ClinVar (database versions not stated): TOPMed 0.00034; ESP Exome Variant Server 0.00054.
gnomAD v4.1: 718 of 1,613,850 alleles (0.044%); highest among the groups gnomAD compares: Non-Finnish European, 0.055%; 1 homozygote.

Submissions (5):

Labcorp Genetics (formerly Invitae), Labcorp
Classification: Benign. Last evaluated: 2026-01-05. Review status: criteria provided, single submitter. Criteria: Invitae Variant Classification Sherloc (09022015). Collection method: clinical testing. Allele origin: germline.

Women's Health and Genetics/Laboratory Corporation of America, LabCorp
Classification: Likely benign. Last evaluated: 2025-04-25. Review status: criteria provided, single submitter. Criteria: LabCorp Variant Classification Summary - May 2015. Collection method: clinical testing. Allele origin: germline.
Comment: Variant summary: SLC1A2 c.668C>A (p.Pro223Gln) results in a non-conservative amino acid change in the encoded protein sequence. Four of five in-silico tools predict a benign effect of the variant on protein function. The variant allele was found at a frequency of 0.00044 in 1613850 control chromosomes, predominantly at a frequency of 0.001 within the Ashkenazi Jewish subpopulation in the gnomAD database. The observed variant frequency within Ashkenazi Jewish control individuals in the gnomAD database exceeds the estimated maximal expected allele frequency for a pathogenic variant in SLC1A2 causing Epileptic Encephalopathy, Early Infantile, 41 phenotype. To our knowledge, no occurrence of c.668C>A in individuals affected with Epileptic Encephalopathy, Early Infantile, 41 and no experimental evidence demonstrating its impact on protein function have been reported. ClinVar contains an entry for this variant (Variation ID: 377107). Based on the evidence outlined above, the variant was classified as likely benign.

Blueprint Genetics
Classification: Likely benign. Last evaluated: 2024-11-27. Review status: criteria provided, single submitter. Criteria: ACMG Guidelines, 2015. Collection method: clinical testing. Allele origin: germline.

Center for Pediatric Genomic Medicine, Children's Mercy Hospital and Clinics
Classification: Uncertain significance. Last evaluated: 2016-10-12. Review status: criteria provided, single submitter. Criteria: ACMG Guidelines, 2015. Collection method: clinical testing. Allele origin: germline.
ClinVar note: Converted during submission from Uncertain Significance to Uncertain significance.

PreventionGenetics, part of Exact Sciences
Classification: Likely benign for SLC1A2-related condition. Last evaluated: 2023-02-08. Review status: no assertion criteria provided. Collection method: clinical testing. Allele origin: germline. Not counted in ClinVar's aggregate classification.
Comment: This variant is classified as likely benign based on ACMG/AMP sequence variant interpretation guidelines (Richards et al. 2015 PMID: 25741868, with internal and published modifications).

NM_004171.4(SLC1A2):c.668C>A (p.Pro223Gln)

Gene: SLC1A2 (solute carrier family 1 member 2; minus strand). Cytogenetic location: 11p13.
Variant type: single nucleotide variant.
Coding change: c.668C>A on transcript NM_004171.4 (MANE Select); coding-DNA position 668, C replaced by A.
Protein change: p.Pro223Gln; replaces proline 223 with glutamine.
Molecular consequence: missense variant.
Genome position (GRCh38, 1-based): chr11:35,306,136, G>T on the plus strand (C>A on the coding strand, the complement: SLC1A2 is on the minus strand). VCF-style: chr11-35306136-G-T. GRCh37 (hg19) VCF-style: chr11-35327683-G-T.
Other names: c.641C>A, p.Pro214Gln (NM_001195728.3, NM_001252652.2); c.668C>A (NM_004171.3); short protein forms P223Q, P214Q.
Identifiers: ClinVar variation 377107 (VCV000377107.14), dbSNP rs142741081, ClinGen allele CA5947255.
Genomic context (GRCh38, chr11:35,306,136, plus strand): 5'-AAGACGTTCATCCCATCCTTGAACTCCAGGCCCTTCTTGATAACCATCTTAGTCTCCTCC[G>T]GCACCTCAGTCACAGTCTCGTTCAACAGAGAGACAACAGCGCTGGTTGCGTTGGCCTCCT-3'
Protein context (NP_004162.2, residues 213-233): SLLNETVTEV[Pro223Gln]EETKMVIKKG